The following is an entry in ClinVar:

ClinVar aggregate classification (germline): Pathogenic. Review status: criteria provided, multiple submitters, no conflicts (2 of 4 stars). 2 submissions from 2 submitters: Pathogenic (2). Last evaluated 2023-09-02.

Conditions:
Primary ciliary dyskinesia 3. Identifiers: Orphanet 244, MedGen C1837618, MONDO:0012085, OMIM 608644.
Primary ciliary dyskinesia. Also called: Ciliary dyskinesia. Identifiers: Orphanet 244, MedGen C0008780, MONDO:0016575, HP:0012265.

Submissions (2):

Myriad Genetics, Inc.
Classification: Pathogenic for Primary ciliary dyskinesia 3. Last evaluated: 2023-09-02. Review status: criteria provided, single submitter. Criteria: Myriad Autosomal Dominant, Autosomal Recessive and X-Linked Classification Criteria (2023). Collection method: clinical testing. Allele origin: unknown.
Comment: NM_001369.2(DNAH5):c.886A>T(K296*) is expected to be pathogenic in the context of primary ciliary dyskinesia, DNAH5-related. This variant is predicted to lead to an abnormal or absent protein product due to the creation of a premature termination codon in DNAH5, a gene where loss-of-function variants are known to be pathogenic. Please note: this variant was assessed in the context of healthy population screening.

Labcorp Genetics (formerly Invitae), Labcorp
Classification: Pathogenic for Primary ciliary dyskinesia. Last evaluated: 2019-06-13. Review status: criteria provided, single submitter. Criteria: Invitae Variant Classification Sherloc (09022015). Collection method: clinical testing. Allele origin: germline.
Comment: This sequence change creates a premature translational stop signal (p.Lys296*) in the DNAH5 gene. It is expected to result in an absent or disrupted protein product. This variant is not present in population databases (ExAC no frequency). This variant has not been reported in the literature in individuals with DNAH5-related conditions. Loss-of-function variants in DNAH5 are known to be pathogenic (PMID: 11788826, 16627867). For these reasons, this variant has been classified as Pathogenic.

Literature cited by the submitters: PubMed 11788826 (cited by Labcorp Genetics (formerly Invitae), Labcorp); PubMed 16627867 (cited by Labcorp Genetics (formerly Invitae), Labcorp).

NM_001369.3(DNAH5):c.886A>T (p.Lys296Ter)

Gene: DNAH5 (dynein axonemal heavy chain 5; minus strand). Cytogenetic location: 5p15.2.
Variant type: single nucleotide variant.
Coding change: c.886A>T on transcript NM_001369.3 (MANE Select); coding-DNA position 886, A replaced by T.
Protein change: p.Lys296Ter; replaces lysine 296 with a stop codon.
Molecular consequence: nonsense.
Genome position (GRCh38, 1-based): chr5:13,919,265, T>A on the plus strand (A>T on the coding strand, the complement: DNAH5 is on the minus strand). VCF-style: chr5-13919265-T-A. GRCh37 (hg19) VCF-style: chr5-13919374-T-A.
Other names: short protein forms K296*.
Identifiers: ClinVar variation 952727 (VCV000952727.9), dbSNP rs545061430, ClinGen allele CA359219014.